The following is an entry in ClinVar:

ClinVar aggregate classification (germline): Uncertain significance (1 of 4 stars; one submission).

Submission:

GeneDx
Classification: Uncertain significance. Last evaluated: 2024-04-29. Review status: criteria provided, single submitter. Criteria: GeneDx Variant Classification Process June 2021. Collection method: clinical testing. Allele origin: germline. Affected: yes.
Comment: Not observed at significant frequency in large population cohorts (gnomAD); In-frame deletion of 1 amino acid in a non-repeat region; In silico analysis supports a deleterious effect on protein structure/function; Has not been previously published as pathogenic or benign to our knowledge

NM_006015.6(ARID1A):c.3210_3212del (p.Asn1070del)

Gene: ARID1A (AT-rich interaction domain 1A; plus strand). Cytogenetic location: 1p36.11.
Variant type: Deletion.
Coding change: c.3210_3212del on transcript NM_006015.6 (MANE Select); coding-DNA positions 3210 to 3212, 3 bases deleted (CAA; older notation c.3210_3212delCAA).
Protein change: p.Asn1070del; deletes asparagine 1070.
Molecular consequence: inframe indel (on NM_006015.4).
Genome position (GRCh38, 1-based): chr1:26,771,130-26,771,132, CAA deleted; deleting any 3 consecutive bases within chr1:26,771,128-26,771,132 gives the same sequence; the c. name uses the placement nearest the transcript's 3' end. VCF-style (leftmost placement, unchanged base first): chr1-26771127-GAAC-G. GRCh37 (hg19) VCF-style: chr1-27097618-GAAC-G.
Other names: c.3210_3212delCAA, p.Asn1070del (NM_006015.4); c.3210_3212del, p.Asn1070del (NM_139135.4); short protein forms N1070del.
Identifiers: ClinVar variation 3372923 (VCV003372923.1).